The following is an entry in ClinVar:

ClinVar aggregate classification (germline): Uncertain significance (1 of 4 stars; one submission).

Conditions:
Inborn genetic diseases. Identifiers: MedGen C0950123, MeSH D030342.

Submission:

Ambry Genetics
Classification: Uncertain significance for Inborn genetic diseases. Last evaluated: 2024-09-02. Review status: criteria provided, single submitter. Criteria: Ambry Variant Classification Scheme 2023. Collection method: clinical testing. Allele origin: germline.
Comment: The p.R511L variant (also known as c.1532G>T), located in coding exon 16 of the ERCC2 gene, results from a G to T substitution at nucleotide position 1532. The arginine at codon 511 is replaced by leucine, an amino acid with dissimilar properties. This amino acid position is conserved. In addition, this alteration is predicted to be deleterious by in silico analysis. Based on the available evidence, the clinical significance of this variant remains unclear.

NM_000400.4(ERCC2):c.1532G>T (p.Arg511Leu)

Gene: ERCC2 (ERCC excision repair 2, TFIIH core complex helicase subunit; minus strand). Cytogenetic location: 19q13.32.
Variant type: single nucleotide variant.
Coding change: c.1532G>T on transcript NM_000400.4 (MANE Select); coding-DNA position 1532, G replaced by T.
Protein change: p.Arg511Leu; replaces arginine 511 with leucine.
Molecular consequence: missense variant.
Genome position (GRCh38, 1-based): chr19:45,355,676, C>A on the plus strand (G>T on the coding strand, the complement: ERCC2 is on the minus strand). VCF-style: chr19-45355676-C-A. GRCh37 (hg19) VCF-style: chr19-45858934-C-A.
Other names: short protein forms R511L.
Identifiers: ClinVar variation 3509858 (VCV003509858.1).